The following is an entry in ClinVar:

NM_001040716.2(PC):c.1234G>A (p.Ala412Thr)

Gene: PC (pyruvate carboxylase; minus strand). Cytogenetic location: 11q13.2.
Variant type: single nucleotide variant.
Coding change: c.1234G>A on transcript NM_001040716.2 (MANE Select); coding-DNA position 1234, G replaced by A.
Protein change: p.Ala412Thr; replaces alanine 412 with threonine.
Molecular consequence: missense variant.
Genome position (GRCh38, 1-based): chr11:66,863,908, C>T on the plus strand (G>A on the coding strand, the complement: PC is on the minus strand). VCF-style: chr11-66863908-C-T. GRCh37 (hg19) VCF-style: chr11-66631379-C-T.
Other names: c.1234G>A, p.Ala412Thr (NM_000920.4, NM_022172.3); c.1234G>A (NM_000920.3); short protein forms A412T.
Identifiers: ClinVar variation 1026661 (VCV001026661.7), dbSNP rs773645433, ClinGen allele CA6131934.

ClinVar aggregate classification (germline): Uncertain significance. Review status: criteria provided, multiple submitters, no conflicts (2 of 4 stars). 2 submissions from 2 submitters: Uncertain significance (2). Last evaluated 2025-04-08.

Conditions:
Pyruvate carboxylase deficiency. Also called: ATAXIA WITH LACTIC ACIDOSIS II; Pyruvate Carboxylase Deficiency Disease; LEIGH NECROTIZING ENCEPHALOPATHY DUE TO PYRUVATE CARBOXYLASE DEFICIENCY; LEIGH SYNDROME DUE TO PYRUVATE CARBOXYLASE DEFICIENCY; PC DEFICIENCY. Identifiers: Orphanet 3008, MedGen C0034341, MONDO:0009949, OMIM 266150.
Inborn genetic diseases. Identifiers: MedGen C0950123, MeSH D030342.

Allele frequency attached by ClinVar (database versions not stated): gnomAD 0.00001; TOPMed below 0.00001; gnomAD exomes 0.00001; ExAC 0.00002.
gnomAD v4.1: 7 of 1,613,930 alleles (0.00043%); highest among the groups gnomAD compares: East Asian, 0.0067%; no homozygotes.

Submissions (2):

Ambry Genetics
Classification: Uncertain significance for Inborn genetic diseases. Last evaluated: 2025-04-08. Review status: criteria provided, single submitter. Criteria: Ambry Variant Classification Scheme 2023. Collection method: clinical testing. Allele origin: germline.

Labcorp Genetics (formerly Invitae), Labcorp
Classification: Uncertain significance for Pyruvate carboxylase deficiency. Last evaluated: 2021-08-28. Review status: criteria provided, single submitter. Criteria: Invitae Variant Classification Sherloc (09022015). Collection method: clinical testing. Allele origin: germline.
Comment: This sequence change replaces alanine with threonine at codon 412 of the PC protein (p.Ala412Thr). The alanine residue is highly conserved and there is a small physicochemical difference between alanine and threonine. This variant is present in population databases (rs773645433, ExAC 0.01%). This variant has not been reported in the literature in individuals affected with PC-related conditions. Algorithms developed to predict the effect of missense changes on protein structure and function are either unavailable or do not agree on the potential impact of this missense change (SIFT: "Deleterious"; PolyPhen-2: "Benign"; Align-GVGD: "Class C0"). In summary, the available evidence is currently insufficient to determine the role of this variant in disease. Therefore, it has been classified as a Variant of Uncertain Significance.